The following is an entry in ClinVar:

ClinVar aggregate classification (germline): Likely pathogenic (1 of 4 stars; one submission).

Conditions:
Intellectual developmental disorder, autosomal dominant 70. Identifiers: MedGen C5774271, MONDO:0859333, OMIM 620157.

Submission:

Foundation for Research in Genetics and Endocrinology, FRIGE's Institute of Human Genetics
Classification: Likely pathogenic for Intellectual developmental disorder, autosomal dominant 70. Last evaluated: 2024-03-02. Review status: criteria provided, single submitter. Criteria: ACMG Guidelines, 2015. Collection method: clinical testing. Allele origin: germline. Affected: yes. Observed: 1 heterozygote.
Comment: A contiguous large heterozygous deletion of size ~8438.76 KB on chromosome 10 chr10:g.(?_59792917)_(68231677_?)del encompassing multiple genes. The coverage and depth of these regions are sufficiently targeted in this assay and hence, the results are likely to be suggestive of a heterozygous deletion of this region [CNV ratio: 0.52]. Contiguous deletion overlapping these genes have previously been reported in the literature [PMID: 28378413]. In summary, the variant meets our criteria to be classified as likely pathogenic.

NC_000010.11:g.(?_59792917)_(68231677_?)del

Genes: SIRT1 (sirtuin 1; plus strand), TMEM26 (transmembrane protein 26; minus strand), TMEM26-AS1 (TMEM26 antisense RNA 1; plus strand), TRS-TGA1-1 (tRNA-Ser (anticodon TGA) 1-1; plus strand), ZNF365 (zinc finger protein 365; plus strand) and 219 more. Cytogenetic location: 10q21.2-21.3.
Variant type: Deletion.
Identifiers: ClinVar variation 3024480 (VCV003024480.1).